The following is an entry in ClinVar:

NC_000010.10:g.(?_112404213)_(112771576_?)del

Genes: PDCD4 (programmed cell death 4; plus strand), RBM20 (RNA binding motif protein 20; plus strand), BBIP1 (BBSome interacting protein 1; minus strand), SHOC2 (SHOC2 leucine rich repeat scaffold protein; plus strand). Cytogenetic location: 10q25.2.
Variant type: Deletion.
Identifiers: ClinVar variation 1410209 (VCV001410209.4).

ClinVar aggregate classification (germline): Uncertain significance (1 of 4 stars; one submission).

Conditions:
Dilated cardiomyopathy 1DD (CMD1DD). Identifiers: Orphanet 154, MedGen C2750995, MONDO:0013168, OMIM 613172.

Submission:

Labcorp Genetics (formerly Invitae), Labcorp
Classification: Uncertain significance for Dilated cardiomyopathy 1DD. Last evaluated: 2022-11-24. Review status: criteria provided, single submitter. Criteria: Invitae Variant Classification Sherloc (09022015). Collection method: clinical testing. Allele origin: germline.
Comment: In summary, the available evidence is currently insufficient to determine the role of this variant in disease. Therefore, it has been classified as a Variant of Uncertain Significance. This variant has not been reported in the literature in individuals affected with RBM20-related conditions. A gross deletion of the genomic region encompassing the full coding sequence of the RBM20 gene has been identified. The current clinical and genetic evidence is not sufficient to establish whether loss-of-function variants in RBM20 cause disease. The boundaries of this event are unknown as they extend beyond the assayed region for this gene and therefore may encompass additional genes.